The following is an entry in ClinVar:

ClinVar aggregate classification (germline): Likely benign. Review status: criteria provided, multiple submitters, no conflicts (2 of 4 stars). 4 submissions from 4 submitters: Likely benign (4). Last evaluated 2025-04-22.

Conditions:
Cardiomyopathy (CMYO). Also called: Cardiomyopathies. Identifiers: Orphanet 167848, MedGen C0878544, MONDO:0004994, HP:0001638. Inheritance: Various modes of inheritance.
Hypertrophic cardiomyopathy. Also called: HYPERTROPHIC MYOCARDIOPATHY. Identifiers: Orphanet 217569, MedGen C0007194, MeSH D002312, MONDO:0005045, HP:0001639.
Cardiovascular phenotype. Identifiers: MedGen CN230736.

Allele frequency attached by ClinVar (database versions not stated): gnomAD 0.00001; gnomAD exomes 0.00002.
gnomAD v4.1: 32 of 1,614,150 alleles (0.002%); highest among the groups gnomAD compares: East Asian, 0.069%; 1 homozygote.

Submissions (4):

Labcorp Genetics (formerly Invitae), Labcorp
Classification: Likely benign for Hypertrophic cardiomyopathy. Last evaluated: 2025-04-22. Review status: criteria provided, single submitter. Criteria: Invitae Variant Classification Sherloc (09022015). Collection method: clinical testing. Allele origin: germline.

Ambry Genetics
Classification: Likely benign for Cardiovascular phenotype. Last evaluated: 2024-02-22. Review status: criteria provided, single submitter. Criteria: Ambry Variant Classification Scheme 2023. Collection method: clinical testing. Allele origin: germline.

All of Us Research Program, National Institutes of Health
Classification: Likely benign for Cardiomyopathy. Last evaluated: 2023-11-30. Review status: criteria provided, single submitter. Criteria: ACMG Guidelines, 2015. Collection method: clinical testing. Allele origin: germline. Inheritance: Autosomal dominant inheritance. Observed: 2 variant alleles, 2 heterozygotes.
Comment: This study involves interpretation of variants in research participants for the purpose of population health screening. Participant phenotype was not available at the time of variant classification. Additional details can be found in publication PMID: 35346344, PMCID: PMC8962531

Color Diagnostics, LLC DBA Color Health
Classification: Likely benign for Cardiomyopathy. Last evaluated: 2020-12-22. Review status: criteria provided, single submitter. Criteria: ACMG Guidelines, 2015. Collection method: clinical testing. Allele origin: germline.

NM_000257.4(MYH7):c.660C>T (p.Ile220=)

Gene: MYH7 (myosin heavy chain 7; minus strand). Cytogenetic location: 14q11.2.
Variant type: single nucleotide variant.
Coding change: c.660C>T on transcript NM_000257.4 (MANE Select); coding-DNA position 660, C replaced by T.
Protein change: p.Ile220=; no amino-acid change (isoleucine 220 retained).
Molecular consequence: synonymous variant.
Genome position (GRCh38, 1-based): chr14:23,431,657, G>A on the plus strand (C>T on the coding strand, the complement: MYH7 is on the minus strand). VCF-style: chr14-23431657-G-A. GRCh37 (hg19) VCF-style: chr14-23900866-G-A.
Identifiers: ClinVar variation 1171068 (VCV001171068.12), dbSNP rs1277105647, ClinGen allele CA485767362.
Genomic context (GRCh38, chr14:23,431,657, plus strand): 5'-GTTGTCGTTCCGGACGGTCTTGGCATTGCCAAAGGCCTCCAGAGCAGGGTTGGCCTGGAT[G>A]ATCTGGTCCTCCAGGGTGCCCTGCAGAGGCCAAGAAGGAGGCAGGTGAGAGCTCTTCTCC-3'
Protein context (NP_000248.2, residues 210-230): SPGKGTLEDQ[Ile220=]IQANPALEAF